The following is an entry in ClinVar:

ClinVar aggregate classification (germline): Benign. Review status: criteria provided, multiple submitters, no conflicts (2 of 4 stars). 2 submissions from 2 submitters: Benign (2). Last evaluated 2018-06-19.

Allele frequency attached by ClinVar (database versions not stated): ESP Exome Variant Server 0.22183; 1000 Genomes Project 30x 0.19566; TOPMed 0.19884; 1000 Genomes Project 0.19988; gnomAD 0.23213.
gnomAD v4.1: 397,257 of 1,598,102 alleles (25%); highest among the groups gnomAD compares: Middle Eastern, 32%; 51,359 homozygotes.

Submissions (2):

GeneDx
Classification: Benign. Last evaluated: 2018-06-19. Review status: criteria provided, single submitter. Criteria: GeneDx Variant Classification (06012015). Collection method: clinical testing. Allele origin: germline. Affected: yes.
Comment: This variant is considered likely benign or benign based on one or more of the following criteria: it is a conservative change, it occurs at a poorly conserved position in the protein, it is predicted to be benign by multiple in silico algorithms, and/or has population frequency not consistent with disease.

Breakthrough Genomics
Classification: Benign. Review status: criteria provided, single submitter. Criteria: ACMG Guidelines, 2015. Collection method: not provided. Allele origin: germline. Inheritance: Unknown mechanism. Affected: yes.

NM_001330195.2(NRXN3):c.608G>A (p.Gly203Asp)

Gene: NRXN3 (neurexin 3; plus strand). Cytogenetic location: 14q24.3.
Variant type: single nucleotide variant.
Coding change: c.608G>A on transcript NM_001330195.2 (MANE Select); coding-DNA position 608, G replaced by A.
Protein change: p.Gly203Asp; replaces glycine 203 with aspartic acid.
Molecular consequence: missense variant. On other transcripts: non-coding transcript variant (4).
Genome position (GRCh38, 1-based): chr14:78,243,701, G>A. VCF-style: chr14-78243701-G-A. GRCh37 (hg19) VCF-style: chr14-78710044-G-A.
Other names: c.608G>A, p.Gly203Asp (NM_001366425.1, NM_001366426.1); short protein forms G203D.
Identifiers: ClinVar variation 674091 (VCV000674091.4), dbSNP rs11626446, ClinGen allele CA7291365.